The following is an entry in ClinVar:

NM_032043.3(BRIP1):c.379+1del

Gene: BRIP1 (BRCA1 interacting DNA helicase 1; minus strand). Cytogenetic location: 17q23.2.
Variant type: Deletion.
Coding change: c.379+1del on transcript NM_032043.3 (MANE Select); the canonical splice donor site of the intron after coding-DNA position 379, one base deleted (G; older notation c.379+1delG).
Molecular consequence: splice donor variant.
Genome position (GRCh38, 1-based): chr17:61,857,057, C deleted on the plus strand (G on the coding strand, the reverse complement: BRIP1 is on the minus strand); the first of 2 consecutive C bases (chr17:61,857,057-61,857,058); deleting either gives the same sequence. VCF-style (leftmost placement, unchanged base first): chr17-61857056-AC-A. GRCh37 (hg19) VCF-style: chr17-59934417-AC-A.
Identifiers: ClinVar variation 1734945 (VCV001734945.2), dbSNP rs2545457733, ClinGen allele CA2580094522.
Genomic context (GRCh38, chr17:61,857,056, plus strand): 5'-TAACAGTAATAATTAAGACTCTTATTACAGATATCAACTGACCCAGGCAAAATATAAATT[AC>A]CTTGACAAGTTGATGAAGTGCCATTTCTTTCAGAAGGTGGTGTGCTTGGATAGTTGAAAT-3'

ClinVar aggregate classification (germline): Likely pathogenic (1 of 4 stars; one submission).

Conditions:
Hereditary cancer-predisposing syndrome. Also called: Neoplastic Syndromes, Hereditary; Tumor predisposition; Hereditary Cancer Syndrome; Hereditary neoplastic syndrome. Identifiers: Orphanet 140162, MedGen C0027672, MeSH D009386, MONDO:0015356.

Submission:

Ambry Genetics
Classification: Likely pathogenic for Hereditary cancer-predisposing syndrome. Last evaluated: 2021-09-04. Review status: criteria provided, single submitter. Criteria: Ambry Variant Classification Scheme 2023. Collection method: clinical testing. Allele origin: germline.
Comment: The c.379+1delG intronic variant, located in intron 3 of the BRIP1 gene, results from a deletion of one nucleotide within intron 3 of the BRIP1 gene. This nucleotide position is highly conserved in available vertebrate species. In silico splice site analysis predicts that this alteration will weaken the native splice donor site and will result in the creation or strengthening of a novel splice donor site; however, direct evidence is insufficient at this time. Alterations that disrupt the canonical splice site are expected to cause aberrant splicing, resulting in an abnormal protein or a transcript that is subject to nonsense-mediated mRNA decay. As such, this alteration is classified as likely pathogenic.